The following is an entry in ClinVar:

NM_001375524.1(TRRAP):c.10070G>A (p.Gly3357Asp)

Gene: TRRAP (transformation/transcription domain associated protein; plus strand). Cytogenetic location: 7q22.1.
Variant type: single nucleotide variant.
Coding change: c.10070G>A on transcript NM_001375524.1 (MANE Select); coding-DNA position 10070, G replaced by A.
Protein change: p.Gly3357Asp; replaces glycine 3357 with aspartic acid.
Molecular consequence: missense variant.
Genome position (GRCh38, 1-based): chr7:98,994,609, G>A. VCF-style: chr7-98994609-G-A. GRCh37 (hg19) VCF-style: chr7-98592232-G-A.
Other names: c.10028G>A, p.Gly3343Asp (NM_001244580.2); c.9941G>A, p.Gly3314Asp (NM_003496.4); short protein forms G3314D, G3343D, G3357D.
Identifiers: ClinVar variation 2626954 (VCV002626954.1), dbSNP rs2485014573, ClinGen allele CA368332238.

ClinVar aggregate classification (germline): Uncertain significance (1 of 4 stars; one submission).

Submission:

Greenwood Genetic Center Diagnostic Laboratories, Greenwood Genetic Center
Classification: Uncertain significance. Last evaluated: 2023-09-19. Review status: criteria provided, single submitter. Criteria: ACMG Guidelines, 2015. Collection method: clinical testing. Allele origin: germline. Affected: yes.
Comment: PM2, PP2